The following is an entry in ClinVar:

ClinVar aggregate classification (germline): Uncertain significance. Review status: criteria provided, multiple submitters, no conflicts (2 of 4 stars). 2 submissions from 2 submitters: Uncertain significance (2). Last evaluated 2025-08-09.

Conditions:
Inborn genetic diseases. Identifiers: MedGen C0950123, MeSH D030342.

Allele frequency attached by ClinVar (database versions not stated): TOPMed below 0.00001.
gnomAD v4.1: 6 of 1,601,438 alleles (0.00037%); highest among the groups gnomAD compares: Non-Finnish European, 0.00043%; no homozygotes.

Submissions (2):

Ambry Genetics
Classification: Uncertain significance for Inborn genetic diseases. Last evaluated: 2025-08-09. Review status: criteria provided, single submitter. Criteria: Ambry Variant Classification Scheme 2023. Collection method: clinical testing. Allele origin: germline.

Labcorp Genetics (formerly Invitae), Labcorp
Classification: Uncertain significance. Last evaluated: 2022-06-13. Review status: criteria provided, single submitter. Criteria: Invitae Variant Classification Sherloc (09022015). Collection method: clinical testing. Allele origin: germline.
Comment: This sequence change replaces proline, which is neutral and non-polar, with glutamine, which is neutral and polar, at codon 238 of the LTBP4 protein (p.Pro238Gln). This variant is not present in population databases (gnomAD no frequency). This variant has not been reported in the literature in individuals affected with LTBP4-related conditions. Experimental studies and prediction algorithms are not available or were not evaluated, and the functional significance of this variant is currently unknown. In summary, the available evidence is currently insufficient to determine the role of this variant in disease. Therefore, it has been classified as a Variant of Uncertain Significance.

NM_001042545.2(LTBP4):c.623C>A (p.Pro208Gln)

Gene: LTBP4 (latent transforming growth factor beta binding protein 4; plus strand). Cytogenetic location: 19q13.2.
Variant type: single nucleotide variant.
Coding change: c.623C>A on transcript NM_001042545.2 (MANE Select); coding-DNA position 623, C replaced by A.
Protein change: p.Pro208Gln; replaces proline 208 with glutamine.
Molecular consequence: missense variant.
Genome position (GRCh38, 1-based): chr19:40,605,585, C>A. VCF-style: chr19-40605585-C-A. GRCh37 (hg19) VCF-style: chr19-41111491-C-A.
Other names: c.824C>A, p.Pro275Gln (NM_001042544.1); c.713C>A, p.Pro238Gln (NM_003573.2); short protein forms P208Q, P275Q, P238Q.
Identifiers: ClinVar variation 1950942 (VCV001950942.5), dbSNP rs905989797, ClinGen allele CA308447777.